The following is an entry in ClinVar:

ClinVar aggregate classification (germline): Uncertain significance (1 of 4 stars; one submission).

Conditions:
Werner syndrome (WRN). Identifiers: Orphanet 902, MedGen C0043119, MONDO:0010196, OMIM 277700.

gnomAD v4.1: 1 of 1,613,286 alleles (0.000062%); highest among the groups gnomAD compares: Non-Finnish European, 0.000085%; no homozygotes.

Submission:

Labcorp Genetics (formerly Invitae), Labcorp
Classification: Uncertain significance for Werner syndrome. Last evaluated: 2024-07-02. Review status: criteria provided, single submitter. Criteria: Invitae Variant Classification Sherloc (09022015). Collection method: clinical testing. Allele origin: germline.
Comment: This sequence change replaces glycine, which is neutral and non-polar, with glutamic acid, which is acidic and polar, at codon 519 of the WRN protein (p.Gly519Glu). This variant is not present in population databases (gnomAD no frequency). This variant has not been reported in the literature in individuals affected with WRN-related conditions. Algorithms developed to predict the effect of missense changes on protein structure and function output the following: SIFT: "Not Available"; PolyPhen-2: "Benign"; Align-GVGD: "Not Available". The glutamic acid amino acid residue is found in multiple mammalian species, which suggests that this missense change does not adversely affect protein function. In summary, the available evidence is currently insufficient to determine the role of this variant in disease. Therefore, it has been classified as a Variant of Uncertain Significance.

NM_000553.6(WRN):c.1556G>A (p.Gly519Glu)

Gene: WRN (WRN RecQ like helicase; plus strand). Cytogenetic location: 8p12.
Variant type: single nucleotide variant.
Coding change: c.1556G>A on transcript NM_000553.6 (MANE Select); coding-DNA position 1556, G replaced by A.
Protein change: p.Gly519Glu; replaces glycine 519 with glutamic acid.
Molecular consequence: missense variant.
Genome position (GRCh38, 1-based): chr8:31,087,900, G>A. VCF-style: chr8-31087900-G-A. GRCh37 (hg19) VCF-style: chr8-30945416-G-A.
Other names: short protein forms G519E.
Identifiers: ClinVar variation 3668564 (VCV003668564.2).
Genomic context (GRCh38, chr8:31,087,900, plus strand): 5'-GAAATCTGGGTCTTCCTACTAAAGAAGAAGAAGAAGATGATGAAAATGAAGCTAATGAAG[G>A]GGAAGAAGATGATGATAAGGGTAAGCACTGAAGTATGTTTGAAATGACTCACCTGTGATA-3'
Protein context (NP_000544.2, residues 509-529): EEDDENEANE[Gly519Glu]EEDDDKDFLW